The following is an entry in ClinVar:

ClinVar aggregate classification (germline): Uncertain significance. Review status: criteria provided, single submitter (1 of 4 stars). 2 submissions from 2 submitters: Uncertain significance (1). 1 of the submissions does not count toward it. Last evaluated 2024-02-24.

Conditions:
Joubert syndrome. Also called: Familial aplasia of the vermis; CEREBELLOPARENCHYMAL DISORDER IV; JOUBERT-BOLTSHAUSER SYNDROME. Identifiers: Orphanet 475, MedGen C5979921, MONDO:0018772.
Meckel-Gruber syndrome. Also called: Dysencephalia splachnocystica; DYSENCEPHALIA SPLANCHNOCYSTICA; GRUBER SYNDROME. Identifiers: Orphanet 564, MedGen C0265215, MONDO:0018921.
Nephronophthisis. Also called: Juvenile Nephronophthisis. Identifiers: Orphanet 655, MedGen C0687120, MONDO:0019005, HP:0000090.
Leber congenital amaurosis (LCA). Also called: Leber's amaurosis. Identifiers: Orphanet 65, MedGen C0339527, MeSH D057130, MONDO:0018998.

Allele frequency attached by ClinVar (database versions not stated): gnomAD exomes below 0.00001.

Submissions (2):

Labcorp Genetics (formerly Invitae), Labcorp
Classification: Uncertain significance for Joubert syndrome; Meckel-Gruber syndrome; Nephronophthisis. Last evaluated: 2024-02-24. Review status: criteria provided, single submitter. Criteria: Invitae Variant Classification Sherloc (09022015). Collection method: clinical testing. Allele origin: germline.
Comment: This sequence change replaces methionine, which is neutral and non-polar, with valine, which is neutral and non-polar, at codon 1061 of the CEP290 protein (p.Met1061Val). This variant is present in population databases (no rsID available, gnomAD 0.003%). This variant has not been reported in the literature in individuals affected with CEP290-related conditions. ClinVar contains an entry for this variant (Variation ID: 1061201). Advanced modeling of protein sequence and biophysical properties (such as structural, functional, and spatial information, amino acid conservation, physicochemical variation, residue mobility, and thermodynamic stability) performed at Invitae indicates that this missense variant is not expected to disrupt CEP290 protein function with a negative predictive value of 80%. In summary, the available evidence is currently insufficient to determine the role of this variant in disease. Therefore, it has been classified as a Variant of Uncertain Significance.

Natera, Inc.
Classification: Uncertain significance for Leber congenital amaurosis. Last evaluated: 2020-03-27. Review status: no assertion criteria provided. Collection method: clinical testing. Allele origin: germline. Not counted in ClinVar's aggregate classification.

NM_025114.4(CEP290):c.3181A>G (p.Met1061Val)

Gene: CEP290 (centrosomal protein 290; minus strand). Cytogenetic location: 12q21.32.
Variant type: single nucleotide variant.
Coding change: c.3181A>G on transcript NM_025114.4 (MANE Select); coding-DNA position 3181, A replaced by G.
Protein change: p.Met1061Val; replaces methionine 1061 with valine.
Molecular consequence: missense variant.
Genome position (GRCh38, 1-based): chr12:88,093,898, T>C on the plus strand (A>G on the coding strand, the complement: CEP290 is on the minus strand). VCF-style: chr12-88093898-T-C. GRCh37 (hg19) VCF-style: chr12-88487675-T-C.
Other names: short protein forms M1061V.
Identifiers: ClinVar variation 1061201 (VCV001061201.10), dbSNP rs1201486566, ClinGen allele CA386006302.